The following is an entry in ClinVar:

NM_182914.3(SYNE2):c.7187T>A (p.Val2396Glu)

Gene: SYNE2 (spectrin repeat containing nuclear envelope protein 2; plus strand). Cytogenetic location: 14q23.2.
Variant type: single nucleotide variant.
Coding change: c.7187T>A on transcript NM_182914.3 (MANE Select); coding-DNA position 7187, T replaced by A.
Protein change: p.Val2396Glu; replaces valine 2396 with glutamic acid.
Molecular consequence: missense variant.
Genome position (GRCh38, 1-based): chr14:64,031,323, T>A. VCF-style: chr14-64031323-T-A. GRCh37 (hg19) VCF-style: chr14-64498041-T-A.
Other names: c.7187T>A, p.Val2396Glu (NM_015180.6); short protein forms V2396E.
Identifiers: ClinVar variation 4700629 (VCV004700629.1).

ClinVar aggregate classification (germline): Uncertain significance (1 of 4 stars; one submission).

Conditions:
Emery-Dreifuss muscular dystrophy 5, autosomal dominant (EDMD5). Also called: EMERY-DREIFUSS MUSCULAR DYSTROPHY 5. Identifiers: Orphanet 261, MedGen C2751805, MONDO:0013072, OMIM 612999.

gnomAD v4.1: 1 of 1,613,866 alleles (0.000062%); highest among the groups gnomAD compares: Non-Finnish European, 0.000085%; no homozygotes.

Submission:

Labcorp Genetics (formerly Invitae), Labcorp
Classification: Uncertain significance for Emery-Dreifuss muscular dystrophy 5, autosomal dominant. Last evaluated: 2025-10-17. Review status: criteria provided, single submitter. Criteria: Invitae Variant Classification Sherloc (09022015). Collection method: clinical testing. Allele origin: germline.
Comment: This sequence change replaces valine, which is neutral and non-polar, with glutamic acid, which is acidic and polar, at codon 2396 of the SYNE2 protein (p.Val2396Glu). This variant is present in population databases (rs766887347, gnomAD 0.0009%). This variant has not been reported in the literature in individuals affected with SYNE2-related conditions. An algorithm developed to predict the effect of missense changes on protein structure and function outputs the following: PolyPhen-2: "Benign". The glutamic acid amino acid residue is found in multiple mammalian species, which suggests that this missense change does not adversely affect protein function. In summary, the available evidence is currently insufficient to determine the role of this variant in disease. Therefore, it has been classified as a Variant of Uncertain Significance.